The following is an entry in ClinVar:

NM_001148.6(ANK2):c.5669A>T (p.His1890Leu)

Genes: ANK2 (ankyrin 2; plus strand), LOC126807136 (MED14-independent group 3 enhancer GRCh37_chr4:114274931-114276130; plus strand). Cytogenetic location: 4q26.
Variant type: single nucleotide variant.
Coding change: c.5669A>T on transcript NM_001148.6 (MANE Select); coding-DNA position 5669, A replaced by T.
Protein change: p.His1890Leu; replaces histidine 1890 with leucine.
Molecular consequence: missense variant. On other transcripts: intron variant (68).
Genome position (GRCh38, 1-based): chr4:113,354,287, A>T. VCF-style: chr4-113354287-A-T. GRCh37 (hg19) VCF-style: chr4-114275443-A-T.
Other names: c.5435A>T, p.His1812Leu (NM_001386142.1); c.2069A>T, p.His690Leu (NM_001386166.1); c.5810A>T, p.His1937Leu (NM_001386174.1); c.5786A>T, p.His1929Leu (NM_001386175.1); c.4411+4038A>T (NM_001386186.2, NM_001386148.2); c.4213+4038A>T (NM_001354269.3); c.4291+4038A>T (NM_001386187.2); c.4252+4038A>T (NM_001386147.1); and 35 more; short protein forms H1890L, H1937L, H1812L, H1929L, H690L.
Identifiers: ClinVar variation 1748941 (VCV001748941.3), dbSNP rs751507915, ClinGen allele CA3051270.

ClinVar aggregate classification (germline): Conflicting classifications of pathogenicity. Review status: criteria provided, conflicting classifications (1 of 4 stars). 2 submissions from 2 submitters: Uncertain significance (1); Likely benign (1). Last evaluated 2025-06-08.

Conditions:
Long QT syndrome (LQTS). Identifiers: MedGen C0023976, MeSH D008133, MONDO:0002442. Disease mechanism: loss of function. Inheritance: Various modes of inheritance.
Cardiovascular phenotype. Identifiers: MedGen CN230736.

Allele frequency attached by ClinVar (database versions not stated): ExAC 0.00001.
gnomAD v4.1: 2 of 1,613,706 alleles (0.00012%); highest among the groups gnomAD compares: African/African-American, 0.0027%; no homozygotes.

Submissions (2):

Labcorp Genetics (formerly Invitae), Labcorp
Classification: Uncertain significance for Long QT syndrome. Last evaluated: 2025-06-08. Review status: criteria provided, single submitter. Criteria: Invitae Variant Classification Sherloc (09022015). Collection method: clinical testing. Allele origin: germline.
Comment: This sequence change replaces histidine, which is basic and polar, with leucine, which is neutral and non-polar, at codon 1890 of the ANK2 protein (p.His1890Leu). This variant is present in population databases (rs751507915, gnomAD 0.007%). This variant has not been reported in the literature in individuals affected with ANK2-related conditions. ClinVar contains an entry for this variant (Variation ID: 1748941). An algorithm developed to predict the effect of missense changes on protein structure and function (PolyPhen-2) suggests that this variant is likely to be disruptive. In summary, the available evidence is currently insufficient to determine the role of this variant in disease. Therefore, it has been classified as a Variant of Uncertain Significance.

Ambry Genetics
Classification: Likely benign for Cardiovascular phenotype. Last evaluated: 2020-01-27. Review status: criteria provided, single submitter. Criteria: Ambry Variant Classification Scheme 2023. Collection method: clinical testing. Allele origin: germline.